The following is an entry in ClinVar:

ClinVar aggregate classification (germline): Benign/Likely benign. Review status: criteria provided, multiple submitters, no conflicts (2 of 4 stars). 2 submissions from 2 submitters: Benign (1); Likely benign (1). Last evaluated 2026-01-18.

Allele frequency attached by ClinVar (database versions not stated): gnomAD exomes 0.00073 and 0.00170; ExAC 0.00349; gnomAD 0.00750 and 0.00807; TOPMed 0.00829; 1000 Genomes Project 0.00919; 1000 Genomes Project 30x 0.00999.
gnomAD v4.1: 2,166 of 1,532,392 alleles (0.14%); highest among the groups gnomAD compares: African/African-American, 2.7%; 24 homozygotes.

Submissions (2):

Labcorp Genetics (formerly Invitae), Labcorp
Classification: Benign. Last evaluated: 2026-01-18. Review status: criteria provided, single submitter. Criteria: Invitae Variant Classification Sherloc (09022015). Collection method: clinical testing. Allele origin: germline.

GeneDx
Classification: Likely benign. Last evaluated: 2021-05-25. Review status: criteria provided, single submitter. Criteria: GeneDx Variant Classification Process June 2021. Collection method: clinical testing. Allele origin: germline. Affected: yes.
Comment: See Variant Classification Assertion Criteria.

NM_020223.4(FAM20C):c.1505+13C>A

Gene: FAM20C (FAM20C golgi associated secretory pathway kinase; plus strand). Cytogenetic location: 7p22.3.
Variant type: single nucleotide variant.
Coding change: c.1505+13C>A on transcript NM_020223.4 (MANE Select); 13 bases into the intron after coding-DNA position 1505, C replaced by A.
Molecular consequence: intron variant.
Genome position (GRCh38, 1-based): chr7:258,718, C>A. VCF-style: chr7-258718-C-A. GRCh37 (hg19) VCF-style: chr7-298684-C-A.
Identifiers: ClinVar variation 1165862 (VCV001165862.10), dbSNP rs143984648, ClinGen allele CA4109187.